The following is an entry in ClinVar:

NM_002075.4(GNB3):c.742G>A (p.Ala248Thr)

Genes: CDCA3 (cell division cycle associated 3; minus strand), GNB3 (G protein subunit beta 3; plus strand). Cytogenetic location: 12p13.31.
Variant type: single nucleotide variant.
Coding change: c.742G>A on transcript NM_002075.4 (MANE Select); coding-DNA position 742, G replaced by A.
Protein change: p.Ala248Thr; replaces alanine 248 with threonine.
Molecular consequence: missense variant. On other transcripts: 3 prime UTR variant (1).
Genome position (GRCh38, 1-based): chr12:6,845,628, G>A. VCF-style: chr12-6845628-G-A. GRCh37 (hg19) VCF-style: chr12-6954792-G-A.
Other names: c.739G>A, p.Ala247Thr (NM_001297571.2); c.*1160C>T (NM_001297603.3); short protein forms A247T, A248T.
Identifiers: ClinVar variation 1373630 (VCV001373630.11), dbSNP rs372895359, ClinGen allele CA6417657.

ClinVar aggregate classification (germline): Uncertain significance. Review status: criteria provided, multiple submitters, no conflicts (2 of 4 stars). 3 submissions from 3 submitters: Uncertain significance (3). Last evaluated 2025-08-10.

Conditions:
Inborn genetic diseases. Identifiers: MedGen C0950123, MeSH D030342.

Allele frequency attached by ClinVar (database versions not stated): ESP Exome Variant Server 0.00008; gnomAD 0.00002.
gnomAD v4.1: 128 of 1,613,222 alleles (0.0079%); highest among the groups gnomAD compares: Admixed American, 0.035%; no homozygotes.

Submissions (3):

Ambry Genetics
Classification: Uncertain significance for Inborn genetic diseases. Last evaluated: 2025-08-10. Review status: criteria provided, single submitter. Criteria: Ambry Variant Classification Scheme 2023. Collection method: clinical testing. Allele origin: germline.

Labcorp Genetics (formerly Invitae), Labcorp
Classification: Uncertain significance. Last evaluated: 2025-05-07. Review status: criteria provided, single submitter. Criteria: Invitae Variant Classification Sherloc (09022015). Collection method: clinical testing. Allele origin: germline.
Comment: This sequence change replaces alanine, which is neutral and non-polar, with threonine, which is neutral and polar, at codon 248 of the GNB3 protein (p.Ala248Thr). This variant is present in population databases (rs372895359, gnomAD 0.05%). This variant has not been reported in the literature in individuals affected with GNB3-related conditions. ClinVar contains an entry for this variant (Variation ID: 1373630). Invitae Evidence Modeling of protein sequence and biophysical properties (such as structural, functional, and spatial information, amino acid conservation, physicochemical variation, residue mobility, and thermodynamic stability) indicates that this missense variant is not expected to disrupt GNB3 protein function with a negative predictive value of 80%. In summary, the available evidence is currently insufficient to determine the role of this variant in disease. Therefore, it has been classified as a Variant of Uncertain Significance.

Blueprint Genetics
Classification: Uncertain significance. Last evaluated: 2022-07-13. Review status: criteria provided, single submitter. Criteria: ACMG Guidelines, 2015. Collection method: clinical testing. Allele origin: germline.